The following is an entry in ClinVar:

NM_001844.5(COL2A1):c.2152C>T (p.Pro718Ser)

Gene: COL2A1 (collagen type II alpha 1 chain; minus strand). Cytogenetic location: 12q13.11.
Variant type: single nucleotide variant.
Coding change: c.2152C>T on transcript NM_001844.5 (MANE Select); coding-DNA position 2152, C replaced by T.
Protein change: p.Pro718Ser; replaces proline 718 with serine.
Molecular consequence: missense variant.
Genome position (GRCh38, 1-based): chr12:47,982,889, G>A on the plus strand (C>T on the coding strand, the complement: COL2A1 is on the minus strand). VCF-style: chr12-47982889-G-A. GRCh37 (hg19) VCF-style: chr12-48376672-G-A.
Other names: c.1945C>T, p.Pro649Ser (NM_033150.3); short protein forms P718S, P649S.
Identifiers: ClinVar variation 2724169 (VCV002724169.3), dbSNP rs2540135934, ClinGen allele CA384546990.

ClinVar aggregate classification (germline): Uncertain significance (1 of 4 stars; one submission).

Submission:

Labcorp Genetics (formerly Invitae), Labcorp
Classification: Uncertain significance. Last evaluated: 2023-06-22. Review status: criteria provided, single submitter. Criteria: Invitae Variant Classification Sherloc (09022015). Collection method: clinical testing. Allele origin: germline.
Comment: This variant is not present in population databases (gnomAD no frequency). This variant has not been reported in the literature in individuals affected with COL2A1-related conditions. Advanced modeling of protein sequence and biophysical properties (such as structural, functional, and spatial information, amino acid conservation, physicochemical variation, residue mobility, and thermodynamic stability) performed at Invitae indicates that this missense variant is not expected to disrupt COL2A1 protein function. In summary, the available evidence is currently insufficient to determine the role of this variant in disease. Therefore, it has been classified as a Variant of Uncertain Significance. This sequence change replaces proline, which is neutral and non-polar, with serine, which is neutral and polar, at codon 718 of the COL2A1 protein (p.Pro718Ser).